The following is an entry in ClinVar:

ClinVar aggregate classification (germline): Likely benign (0 of 4 stars; one submission).

Conditions:
RAI1-related disorder. Also called: RAI1-related condition.

Submission:

PreventionGenetics, part of Exact Sciences
Classification: Likely benign for RAI1-related condition. Last evaluated: 2022-06-21. Review status: no assertion criteria provided. Collection method: clinical testing. Allele origin: germline.
Comment: This variant is classified as likely benign based on ACMG/AMP sequence variant interpretation guidelines (Richards et al. 2015 PMID: 25741868, with internal and published modifications).

NM_030665.4(RAI1):c.4488C>G (p.Gly1496=)

Gene: RAI1 (retinoic acid induced 1; plus strand). Cytogenetic location: 17p11.2.
Variant type: single nucleotide variant.
Coding change: c.4488C>G on transcript NM_030665.4 (MANE Select); coding-DNA position 4488, C replaced by G.
Protein change: p.Gly1496=; no amino-acid change (glycine 1496 retained).
Molecular consequence: synonymous variant.
Genome position (GRCh38, 1-based): chr17:17,797,436, C>G. VCF-style: chr17-17797436-C-G. GRCh37 (hg19) VCF-style: chr17-17700750-C-G.
Identifiers: ClinVar variation 3350470 (VCV003350470.1).